The following is an entry in ClinVar:

NM_005142.3(CBLIF):c.373C>T (p.Pro125Ser)

Gene: CBLIF (cobalamin binding intrinsic factor; minus strand). Cytogenetic location: 11q12.1.
Variant type: single nucleotide variant.
Coding change: c.373C>T on transcript NM_005142.3 (MANE Select); coding-DNA position 373, C replaced by T.
Protein change: p.Pro125Ser; replaces proline 125 with serine.
Molecular consequence: missense variant.
Genome position (GRCh38, 1-based): chr11:59,842,581, G>A on the plus strand (C>T on the coding strand, the complement: CBLIF is on the minus strand). VCF-style: chr11-59842581-G-A. GRCh37 (hg19) VCF-style: chr11-59610054-G-A.
Other names: c.373C>T (NM_005142.2); short protein forms P125S.
Identifiers: ClinVar variation 2043945 (VCV002043945.5), dbSNP rs200473324, ClinGen allele CA6021584.

ClinVar aggregate classification (germline): Uncertain significance. Review status: criteria provided, multiple submitters, no conflicts (2 of 4 stars). 2 submissions from 2 submitters: Uncertain significance (2). Last evaluated 2025-08-11.

Conditions:
Hereditary intrinsic factor deficiency (IFD). Also called: Congenital intrinsic factor deficiency; PERNICIOUS ANEMIA, CONGENITAL, DUE TO DEFECT OF INTRINSIC FACTOR. Identifiers: Orphanet 332, MedGen C2062370, MONDO:0009852, OMIM 261000.

Allele frequency attached by ClinVar (database versions not stated): ESP Exome Variant Server 0.00008; gnomAD 0.00008; ExAC 0.00009; TOPMed 0.00010.
gnomAD v4.1: 302 of 1,613,652 alleles (0.019%); highest among the groups gnomAD compares: Non-Finnish European, 0.023%; no homozygotes.

Submissions (2):

Ambry Genetics
Classification: Uncertain significance. Last evaluated: 2025-08-11. Review status: criteria provided, single submitter. Criteria: Ambry Variant Classification Scheme 2023. Collection method: clinical testing. Allele origin: germline.

Labcorp Genetics (formerly Invitae), Labcorp
Classification: Uncertain significance for Hereditary intrinsic factor deficiency. Last evaluated: 2022-05-06. Review status: criteria provided, single submitter. Criteria: Invitae Variant Classification Sherloc (09022015). Collection method: clinical testing. Allele origin: germline.
Comment: This sequence change replaces proline, which is neutral and non-polar, with serine, which is neutral and polar, at codon 125 of the GIF protein (p.Pro125Ser). In summary, the available evidence is currently insufficient to determine the role of this variant in disease. Therefore, it has been classified as a Variant of Uncertain Significance. Algorithms developed to predict the effect of missense changes on protein structure and function output the following: SIFT: "Tolerated"; PolyPhen-2: "Benign"; Align-GVGD: "Class C0". The serine amino acid residue is found in multiple mammalian species, which suggests that this missense change does not adversely affect protein function. This variant has not been reported in the literature in individuals affected with GIF-related conditions. This variant is present in population databases (rs200473324, gnomAD 0.02%).